The following is an entry in ClinVar:

ClinVar aggregate classification (germline): Likely benign (1 of 4 stars; one submission).

gnomAD v4.1: 1 of 1,604,994 alleles (0.000062%); highest among the groups gnomAD compares: Admixed American, 0.0017%; no homozygotes.

Submission:

CeGaT Center for Human Genetics Tuebingen
Classification: Likely benign. Last evaluated: 2026-02-01. Review status: criteria provided, single submitter. Criteria: CeGaT Center For Human Genetics Tuebingen Variant Classification Criteria Version 2. Collection method: clinical testing. Allele origin: germline. Affected: yes. Observed: 1 variant allele.
Comment: TARS1: BP4, BP7

NM_152295.5(TARS1):c.1974G>A (p.Leu658=)

Gene: TARS1 (threonyl-tRNA synthetase 1; plus strand). Cytogenetic location: 5p13.3.
Variant type: single nucleotide variant.
Coding change: c.1974G>A on transcript NM_152295.5 (MANE Select); coding-DNA position 1974, G replaced by A.
Protein change: p.Leu658=; no amino-acid change (leucine 658 retained).
Molecular consequence: synonymous variant. On other transcripts: non-coding transcript variant (3).
Genome position (GRCh38, 1-based): chr5:33,466,936, G>A. VCF-style: chr5-33466936-G-A. GRCh37 (hg19) VCF-style: chr5-33467041-G-A.
Other names: c.1974G>A, p.Leu658= (NM_001258437.1); c.2073G>A, p.Leu691= (NM_001258438.2).
Identifiers: ClinVar variation 4823217 (VCV004823217.4).
Genomic context (GRCh38, chr5:33,466,936, plus strand): 5'-ACAACAATTCCACGATGCCAAATTCATGGCAGACATTGATCTGGATCCAGGCTGTACATT[G>A]AATAAAAAGATTCGAAATGCACAGTTAGCACAGTATAACTTCATTTTAGGTAAGAATGGA-3'
Protein context (NP_689508.3, residues 648-668): ADIDLDPGCT[Leu658=]NKKIRNAQLA